The following is an entry in ClinVar:

NM_003265.3(TLR3):c.139G>A (p.Asp47Asn)

Gene: TLR3 (toll like receptor 3; plus strand). Cytogenetic location: 4q35.1.
Variant type: single nucleotide variant.
Coding change: c.139G>A on transcript NM_003265.3 (MANE Select); coding-DNA position 139, G replaced by A.
Protein change: p.Asp47Asn; replaces aspartic acid 47 with asparagine.
Molecular consequence: missense variant.
Genome position (GRCh38, 1-based): chr4:186,076,758, G>A. VCF-style: chr4-186076758-G-A. GRCh37 (hg19) VCF-style: chr4-186997912-G-A.
Other names: c.139G>A (NM_003265.2); short protein forms D47N.
Identifiers: ClinVar variation 1416387 (VCV001416387.8), dbSNP rs757662803, ClinGen allele CA3161165.

ClinVar aggregate classification (germline): Uncertain significance. Review status: criteria provided, single submitter (1 of 4 stars). 2 submissions from 2 submitters: Uncertain significance (1). 1 of the submissions does not count toward it. Last evaluated 2025-09-30.

Conditions:
Encephalopathy, acute, infection-induced (herpes-specific), susceptibility to, 1. Also called: Herpes simplex encephalitis, susceptibility to, 1. Identifiers: Orphanet 1930, MedGen C2750180, MONDO:0024563, OMIM 610551.
TLR3-related disorder. Also called: TLR3-related condition.

Allele frequency attached by ClinVar (database versions not stated): ExAC 0.00001; gnomAD exomes 0.00002 and 0.00001; TOPMed 0.00002; gnomAD 0.00001.

Submissions (2):

Labcorp Genetics (formerly Invitae), Labcorp
Classification: Uncertain significance for Encephalopathy, acute, infection-induced (herpes-specific), susceptibility to, 1. Last evaluated: 2025-09-30. Review status: criteria provided, single submitter. Criteria: Invitae Variant Classification Sherloc (09022015). Collection method: clinical testing. Allele origin: germline.
Comment: This sequence change replaces aspartic acid, which is acidic and polar, with asparagine, which is neutral and polar, at codon 47 of the TLR3 protein (p.Asp47Asn). This variant is present in population databases (rs757662803, gnomAD 0.006%). This variant has not been reported in the literature in individuals affected with TLR3-related conditions. ClinVar contains an entry for this variant (Variation ID: 1416387). An algorithm developed to predict the effect of missense changes on protein structure and function outputs the following: PolyPhen-2: "Benign". The asparagine amino acid residue is found in multiple mammalian species, which suggests that this missense change does not adversely affect protein function. In summary, the available evidence is currently insufficient to determine the role of this variant in disease. Therefore, it has been classified as a Variant of Uncertain Significance.

PreventionGenetics, part of Exact Sciences
Classification: Uncertain significance for TLR3-related condition. Last evaluated: 2024-01-26. Review status: no assertion criteria provided. Collection method: clinical testing. Allele origin: germline. Not counted in ClinVar's aggregate classification.
Comment: The TLR3 c.139G>A variant is predicted to result in the amino acid substitution p.Asp47Asn. To our knowledge, this variant has not been reported in the literature. This variant is reported in 0.0058% of alleles in individuals of Latino descent in gnomAD. At this time, the clinical significance of this variant is uncertain due to the absence of conclusive functional and genetic evidence.